The following is an entry in ClinVar:

ClinVar aggregate classification (germline): Conflicting classifications of pathogenicity. Review status: criteria provided, conflicting classifications (1 of 4 stars). 4 submissions from 4 submitters: Uncertain significance (3); Likely benign (1). Last evaluated 2026-01-31.

Conditions:
Van Maldergem syndrome 2 (VMLDS2). Identifiers: Orphanet 314679, MedGen C3809875, MONDO:0014242, OMIM 615546.
Inborn genetic diseases. Identifiers: MedGen C0950123, MeSH D030342.

Allele frequency attached by ClinVar (database versions not stated): gnomAD 0.00001; gnomAD exomes 0.00003 and 0.00015; TOPMed 0.00003; ExAC 0.00021.
gnomAD v4.1: 51 of 1,613,934 alleles (0.0032%); highest among the groups gnomAD compares: Admixed American, 0.048%; no homozygotes.

Submissions (4):

Labcorp Genetics (formerly Invitae), Labcorp
Classification: Likely benign. Last evaluated: 2026-01-31. Review status: criteria provided, single submitter. Criteria: Invitae Variant Classification Sherloc (09022015). Collection method: clinical testing. Allele origin: germline.

Ambry Genetics
Classification: Uncertain significance for Inborn genetic diseases. Last evaluated: 2025-02-25. Review status: criteria provided, single submitter. Criteria: Ambry Variant Classification Scheme 2023. Collection method: clinical testing. Allele origin: germline.

Clinical Genomics Laboratory, Washington University in St. Louis
Classification: Uncertain significance for Van Maldergem syndrome 2. Last evaluated: 2024-10-29. Review status: criteria provided, single submitter. Criteria: ACMG Guidelines, 2015. Collection method: clinical testing. Allele origin: germline.
Comment: A FAT4 c.2896A>G (p.Ile966Val) variant was identified at a heterozygous allelic fraction of 50.06%, a frequency which may be consistent with germline origin. This variant, to our knowledge, has not been reported in the medical literature and it is observed on 51/1,613,934 alleles in the general population (gnomAD v.4.1.0), indicating that it is not a common variant. This variant has been reported in the ClinVar database as a variant of uncertain significance by one submitter and as likely benign by one submitter (ClinVar ID: 432238). Computational predictors suggest that this variant does not impact FAT4 function. Due to limited information, and based on ACMG/AMP guidelines for variant interpretation (Richards S et al., PMID: 25741868), the clinical significance of this variant is uncertain at this time.

GeneDx
Classification: Uncertain significance. Last evaluated: 2017-08-23. Review status: criteria provided, single submitter. Criteria: GeneDx Variant Classification (06012015). Collection method: clinical testing. Allele origin: germline. Affected: yes.
Comment: A variant of uncertain significance has been identified in the FAT4 gene. The I966V variant has not been published as a pathogenic variant, nor has it been reported as a benign variant to our knowledge. The I966V variant is observed in 21/11,572 (0.2%) alleles from individuals of Latino background, including a homozygous individual (Lek et al., 2016; 1000 Genomes Consortium et al., 2015; Exome Variant Server). The I966V variant is a conservative amino acid substitution, which is not likely to impact secondary protein structure as these residues share similar properties. This substitution occurs at a position where amino acids with similar properties to Isoleucine are tolerated across species. In silico analysis is inconsistent in its predictions as to whether or not the variant is damaging to the protein structure/function. Based on the currently available information, it is unclear whether this variant is a pathogenic variant or a rare benign variant.

NM_001291303.3(FAT4):c.2896A>G (p.Ile966Val)

Gene: FAT4 (FAT atypical cadherin 4; plus strand). Cytogenetic location: 4q28.1.
Variant type: single nucleotide variant.
Coding change: c.2896A>G on transcript NM_001291303.3 (MANE Select); coding-DNA position 2896, A replaced by G.
Protein change: p.Ile966Val; replaces isoleucine 966 with valine.
Molecular consequence: missense variant.
Genome position (GRCh38, 1-based): chr4:125,319,307, A>G. VCF-style: chr4-125319307-A-G. GRCh37 (hg19) VCF-style: chr4-126240462-A-G.
Other names: c.2896A>G, p.Ile966Val (NM_001291285.3, NM_024582.6); short protein forms I966V.
Identifiers: ClinVar variation 432238 (VCV000432238.12), dbSNP rs778631726, ClinGen allele CA3072220.